The following is an entry in ClinVar:

ClinVar aggregate classification (germline): Uncertain significance (1 of 4 stars; one submission).

Conditions:
Regional enteritis. Also called: Enteritis, Granulomatous. Identifiers: MedGen C0678202, MeSH D003424.
Blau syndrome (BLAUS). Also called: ARTHROCUTANEOUVEAL GRANULOMATOSIS; GRANULOMATOSIS, FAMILIAL JUVENILE SYSTEMIC; GRANULOMATOSIS, FAMILIAL, BLAU TYPE; GRANULOMATOUS INFLAMMATORY ARTHRITIS, DERMATITIS, AND UVEITIS, FAMILIAL; JABS SYNDROME. Identifiers: Orphanet 90340, MedGen C5201146, MONDO:0008523, OMIM 186580.

gnomAD v4.1: 2 of 1,613,550 alleles (0.00012%); highest among the groups gnomAD compares: Admixed American, 0.0017%; no homozygotes.

Submission:

Labcorp Genetics (formerly Invitae), Labcorp
Classification: Uncertain significance for Regional enteritis; Blau syndrome. Last evaluated: 2025-09-10. Review status: criteria provided, single submitter. Criteria: Invitae Variant Classification Sherloc (09022015). Collection method: clinical testing. Allele origin: germline.
Comment: This sequence change replaces proline, which is neutral and non-polar, with threonine, which is neutral and polar, at codon 268 of the NOD2 protein (p.Pro268Thr). This variant is present in population databases (rs2066842, gnomAD 0.003%). This variant has not been reported in the literature in individuals affected with NOD2-related conditions. Invitae Evidence Modeling of protein sequence and biophysical properties (such as structural, functional, and spatial information, amino acid conservation, physicochemical variation, residue mobility, and thermodynamic stability) has been performed for this missense variant. However, the output from this modeling did not meet the statistical confidence thresholds required to predict the impact of this variant on NOD2 protein function. In summary, the available evidence is currently insufficient to determine the role of this variant in disease. Therefore, it has been classified as a Variant of Uncertain Significance.

NM_001370466.1(NOD2):c.721C>A (p.Pro241Thr)

Gene: NOD2 (nucleotide binding oligomerization domain containing 2; plus strand). Cytogenetic location: 16q12.1.
Variant type: single nucleotide variant.
Coding change: c.721C>A on transcript NM_001370466.1 (MANE Select); coding-DNA position 721, C replaced by A.
Protein change: p.Pro241Thr; replaces proline 241 with threonine.
Molecular consequence: missense variant. On other transcripts: non-coding transcript variant (1).
Genome position (GRCh38, 1-based): chr16:50,710,713, C>A. VCF-style: chr16-50710713-C-A. GRCh37 (hg19) VCF-style: chr16-50744624-C-A.
Other names: c.721C>A, p.Pro241Thr (NM_001293557.2); c.802C>A, p.Pro268Thr (NM_022162.3); short protein forms P241T, P268T.
Identifiers: ClinVar variation 4790831 (VCV004790831.1).